The following is an entry in ClinVar:

ClinVar aggregate classification (germline): Uncertain significance. Review status: criteria provided, multiple submitters, no conflicts (2 of 4 stars). 2 submissions from 2 submitters: Uncertain significance (2). Last evaluated 2022-04-26.

Submissions (2):

GeneDx
Classification: Uncertain significance. Last evaluated: 2022-04-26. Review status: criteria provided, single submitter. Criteria: GeneDx Variant Classification Process June 2021. Collection method: clinical testing. Allele origin: germline. Affected: yes.
Comment: Not observed at significant frequency in large population cohorts (gnomAD); In silico analysis supports that this missense variant has a deleterious effect on protein structure/function; This variant is associated with the following publications: (PMID: 30384889)

Blueprint Genetics
Classification: Uncertain significance. Last evaluated: 2018-10-16. Review status: criteria provided, single submitter. Criteria: ACMG Guidelines, 2015. Collection method: clinical testing. Allele origin: germline.

NM_005159.5(ACTC1):c.658T>C (p.Tyr220His)

Genes: GJD2-DT (GJD2 divergent transcript; plus strand), ACTC1 (actin alpha cardiac muscle 1; minus strand). Cytogenetic location: 15q14.
Variant type: single nucleotide variant.
Coding change: c.658T>C on transcript NM_005159.5 (MANE Select); coding-DNA position 658, T replaced by C.
Protein change: p.Tyr220His; replaces tyrosine 220 with histidine.
Molecular consequence: missense variant.
Genome position (GRCh38, 1-based): chr15:34,792,240, A>G on the plus strand (T>C on the coding strand, the complement: ACTC1 is on the minus strand). VCF-style: chr15-34792240-A-G. GRCh37 (hg19) VCF-style: chr15-35084441-A-G.
Other names: c.658T>C (LRG_388t1); short protein forms Y220H.
Identifiers: ClinVar variation 636820 (VCV000636820.4), dbSNP rs1595760821, ClinGen allele CA391630673.